The following is an entry in ClinVar:

NM_024989.4(PGAP1):c.1318GTT[1] (p.Val441del)

Gene: PGAP1 (post-GPI attachment to proteins inositol deacylase 1; minus strand). Cytogenetic location: 2q33.1.
Variant type: Microsatellite.
Coding change: c.1318GTT[1] on transcript NM_024989.4 (MANE Select); one copy of the 3-base unit GTT starting at c.1318; the reference has two copies in a row; one copy, 3 bases deleted.
Protein change: p.Val441del; deletes valine 441.
Molecular consequence: inframe deletion.
Genome position (GRCh38, 1-based): chr2:196,880,103-196,880,105, AAC deleted on the plus strand (GTT on the coding strand, the reverse complement: PGAP1 is on the minus strand); deleting any 3 consecutive bases within chr2:196,880,103-196,880,110 gives the same sequence; the position shown is the placement nearest the transcript's 3' end. VCF-style (leftmost placement, unchanged base first): chr2-196880102-AAAC-A. GRCh37 (hg19) VCF-style: chr2-197744826-AAAC-A.
Other names: c.796GTT[1], p.Val267del (NM_001321099.2); c.151GTT[1], p.Val52del (NM_001321100.2); short protein forms V267del, V441del, V52del.
Identifiers: ClinVar variation 2502807 (VCV002502807.1), dbSNP rs2468635041, ClinGen allele CA2555498568.

ClinVar aggregate classification (germline): Likely pathogenic (1 of 4 stars; one submission).

Submission:

GeneDx
Classification: Likely pathogenic. Last evaluated: 2023-05-15. Review status: criteria provided, single submitter. Criteria: GeneDx Variant Classification Process June 2021. Collection method: clinical testing. Allele origin: germline. Affected: yes.
Comment: Not observed at significant frequency in large population cohorts (gnomAD); In-frame deletion of 1 amino acid in a non-repeat region; In silico analysis supports a deleterious effect on protein structure/function; Has not been previously published as pathogenic or benign to our knowledge